The following is an entry in ClinVar:

NM_001283009.2(RTEL1):c.535G>T (p.Glu179Ter)

Genes: RTEL1 (regulator of telomere elongation helicase 1; plus strand), RTEL1-TNFRSF6B (RTEL1-TNFRSF6B readthrough (NMD candidate); plus strand). Cytogenetic location: 20q13.33.
Variant type: single nucleotide variant.
Coding change: c.535G>T on transcript NM_001283009.2 (MANE Select); coding-DNA position 535, G replaced by T.
Protein change: p.Glu179Ter; replaces glutamic acid 179 with a stop codon.
Molecular consequence: nonsense. On other transcripts: non-coding transcript variant (1), 5 prime UTR variant (1).
Genome position (GRCh38, 1-based): chr20:63,662,886, G>T. VCF-style: chr20-63662886-G-T. GRCh37 (hg19) VCF-style: chr20-62294239-G-T.
Other names: c.-135G>T (NM_001283010.1); c.535G>T, p.Glu179Ter (NM_016434.4); c.607G>T, p.Glu203Ter (NM_032957.5); short protein forms E203*, E179*.
Identifiers: ClinVar variation 540926 (VCV000540926.7), dbSNP rs1555899932, ClinGen allele CA409670086.

ClinVar aggregate classification (germline): Pathogenic (1 of 4 stars; one submission).

Conditions:
Dyskeratosis congenita, autosomal recessive 5 (DKCB5). Identifiers: MedGen C3554656, MONDO:0014076, OMIM 615190.
Pulmonary fibrosis and/or bone marrow failure, Telomere-related, 3. Also called: PULMONARY FIBROSIS AND/OR BONE MARROW FAILURE SYNDROME, TELOMERE-RELATED, 3. Identifiers: Orphanet 2032, MedGen C4225346, MONDO:0014613, OMIM 616373.

Submission:

Labcorp Genetics (formerly Invitae), Labcorp
Classification: Pathogenic for Dyskeratosis congenita, autosomal recessive 5; Pulmonary fibrosis and/or bone marrow failure, Telomere-related, 3. Last evaluated: 2017-11-28. Review status: criteria provided, single submitter. Criteria: Invitae Variant Classification Sherloc (09022015). Collection method: clinical testing. Allele origin: germline.
Comment: For these reasons, this variant has been classified as Pathogenic. Loss-of-function variants in RTEL1 are known to be pathogenic (PMID: 23453664, 23959892, 25607374). This variant has not been reported in the literature in individuals with RTEL1-related disease. This variant is not present in population databases (ExAC no frequency). This sequence change creates a premature translational stop signal (p.Glu203*) in the RTEL1 gene. It is expected to result in an absent or disrupted protein product.

Literature cited by the submitters: PubMed 23453664; PubMed 23959892; PubMed 25607374.